The following is an entry in ClinVar:

ClinVar aggregate classification (germline): Likely pathogenic. Review status: criteria provided, multiple submitters, no conflicts (2 of 4 stars). 2 submissions from 2 submitters: Likely pathogenic (2). Last evaluated 2025-07-15.

Conditions:
Hereditary cancer-predisposing syndrome. Also called: Tumor predisposition; Neoplastic Syndromes, Hereditary; Hereditary Cancer Syndrome; Hereditary neoplastic syndrome. Identifiers: Orphanet 140162, MedGen C0027672, MeSH D009386, MONDO:0015356.
Familial adenomatous polyposis 2. Also called: COLORECTAL ADENOMATOUS POLYPOSIS, AUTOSOMAL RECESSIVE; ADENOMAS, MULTIPLE COLORECTAL, AUTOSOMAL RECESSIVE; MYH-associated polyposis; MUTYH Polyposis; Adenomas, multiple colorectal; MUTYH-associated polyposis. Identifiers: Orphanet 220460, Orphanet 247798, MedGen C3272841, MONDO:0012041, OMIM 608456.

Allele frequency attached by ClinVar (database versions not stated): gnomAD exomes below 0.00001.

Submissions (2):

Labcorp Genetics (formerly Invitae), Labcorp
Classification: Likely pathogenic for Familial adenomatous polyposis 2. Last evaluated: 2025-07-15. Review status: criteria provided, single submitter. Criteria: Invitae Variant Classification Sherloc (09022015). Collection method: clinical testing. Allele origin: germline.
Comment: This sequence change affects a splice site in intron 14 of the MUTYH gene. It is expected to disrupt RNA splicing. Variants that disrupt the donor or acceptor splice site typically lead to a loss of protein function (PMID: 16199547), and loss-of-function variants in MUTYH are known to be pathogenic (PMID: 18534194, 20663686). This variant is not present in population databases (gnomAD no frequency). Disruption of this splice site has been observed in individual(s) with MUTYH-associated polyposis (internal data). ClinVar contains an entry for this variant (Variation ID: 660585). Algorithms developed to predict the effect of sequence changes on RNA splicing suggest that this variant may disrupt the consensus splice site. In summary, the currently available evidence indicates that the variant is pathogenic, but additional data are needed to prove that conclusively. Therefore, this variant has been classified as Likely Pathogenic.

Ambry Genetics
Classification: Likely pathogenic for Hereditary cancer-predisposing syndrome. Last evaluated: 2024-10-08. Review status: criteria provided, single submitter. Criteria: Ambry Variant Classification Scheme 2023. Collection method: clinical testing. Allele origin: germline.
Comment: The c.1477-2_1477-1delAG variant results from a deletion of 2 nucleotides between positions c.1477-2 and c.1477-1 and involves the canonical splice acceptor site before coding exon 15 of the MUTYH gene. This variant was not reported in population-based cohorts in the Genome Aggregation Database (gnomAD). The canonical splice acceptor site is highly conserved in available vertebrate species In silico splice site analysis predicts that this alteration will weaken the native splice acceptor site and will result in the creation or strengthening of a novel splice acceptor site. RNA studies have demonstrated that this alteration results in abnormal splicing in the set of samples tested (Ambry internal data). As such, this alteration is classified as likely pathogenic.

Literature cited by the submitters: PubMed 16199547 (cited by Labcorp Genetics (formerly Invitae), Labcorp); PubMed 18534194 (cited by Labcorp Genetics (formerly Invitae), Labcorp); PubMed 20663686 (cited by Labcorp Genetics (formerly Invitae), Labcorp).

NM_001048174.2(MUTYH):c.1393-2_1393-1del

Gene: MUTYH (mutY DNA glycosylase; minus strand). Cytogenetic location: 1p34.1.
Variant type: Deletion.
Coding change: c.1393-2_1393-1del on transcript NM_001048174.2 (MANE Select); the canonical splice acceptor site of the intron before coding-DNA position 1393, 2 bases deleted (AG; older notation c.1393-2_1393-1delAG).
Molecular consequence: splice acceptor variant.
Genome position (GRCh38, 1-based): chr1:45,330,558-45,330,559, CT deleted on the plus strand (AG on the coding strand, the reverse complement: MUTYH is on the minus strand). VCF-style (leftmost placement, unchanged base first): chr1-45330557-CCT-C. GRCh37 (hg19) VCF-style: chr1-45796229-CCT-C.
Other names: c.1477-2_1477-1delAG (NM_001128425.1); c.1048-2_1048-1del (NM_001350651.2, NM_001350650.2); c.1117-2_1117-1del (NM_001293192.2, NM_001293196.2); c.1393-2_1393-1del (NM_001048171.2, NM_001048173.2, NM_001293195.2); c.1438-2_1438-1del (NM_001293190.2); c.1468-2_1468-1del (NM_012222.3); c.1477-2_1477-1del (NM_001128425.2); c.1396-2_1396-1del (NM_001048172.2); and 1 more.
Identifiers: ClinVar variation 660585 (VCV000660585.12), dbSNP rs1570346782, ClinGen allele CA915941257.
Genomic context (GRCh38, chr1:45,330,557, plus strand): 5'-AGAGGCCTAGGAGACTTACCATACAGGTCCCTGGCTGTTGGCCCTGATACACACGGAAAA[CCT>C]AGACAAGAAGACAGGGAGGTGAGGGCTGGCACTTTTTGCAAAAGAGATAAACCGGTGTTC-3'